The following is an entry in ClinVar:

NM_006306.4(SMC1A):c.653G>C (p.Arg218Pro)

Gene: SMC1A (structural maintenance of chromosomes 1A; minus strand). Cytogenetic location: Xp11.22.
Variant type: single nucleotide variant.
Coding change: c.653G>C on transcript NM_006306.4 (MANE Select); coding-DNA position 653, G replaced by C.
Protein change: p.Arg218Pro; replaces arginine 218 with proline.
Molecular consequence: missense variant.
Genome position (GRCh38, 1-based): chrX:53,413,101, C>G on the plus strand (G>C on the coding strand, the complement: SMC1A is on the minus strand). VCF-style: chrX-53413101-C-G. GRCh37 (hg19) VCF-style: chrX-53440051-C-G.
Other names: c.587G>C, p.Arg196Pro (NM_001281463.1); short protein forms R196P, R218P.
Identifiers: ClinVar variation 4887871 (VCV004887871.1).

ClinVar aggregate classification (germline): Pathogenic (1 of 4 stars; one submission).

Submission:

GeneDx
Classification: Pathogenic. Last evaluated: 2026-02-14. Review status: criteria provided, single submitter. Criteria: GeneDx Variant Classification Process June 2021. Collection method: clinical testing. Allele origin: germline.
Comment: Not observed at significant frequency in large population cohorts (gnomAD); The majority of missense variants in this gene are considered pathogenic (HGMD); In silico analysis suggests that this missense variant does not alter protein structure/function; Also known as p.Arg196Pro; This variant is associated with the following publications: (PMID: 35982159, 33057194, 33619735)